The following is an entry in ClinVar:

NM_201384.3(PLEC):c.2207G>A (p.Gly736Glu)

Gene: PLEC (plectin; minus strand). Cytogenetic location: 8q24.3.
Variant type: single nucleotide variant.
Coding change: c.2207G>A on transcript NM_201384.3 (MANE Select); coding-DNA position 2207, G replaced by A.
Protein change: p.Gly736Glu; replaces glycine 736 with glutamic acid.
Molecular consequence: missense variant.
Genome position (GRCh38, 1-based): chr8:143,931,631, C>T on the plus strand (G>A on the coding strand, the complement: PLEC is on the minus strand). VCF-style: chr8-143931631-C-T. GRCh37 (hg19) VCF-style: chr8-145005799-C-T.
Other names: c.2288G>A, p.Gly763Glu (NM_000445.5); c.2165G>A, p.Gly722Glu (NM_201378.4); c.2141G>A, p.Gly714Glu (NM_201379.3); c.2618G>A, p.Gly873Glu (NM_201380.4); c.2111G>A, p.Gly704Glu (NM_201381.3); c.2207G>A, p.Gly736Glu (NM_201382.4); c.2219G>A, p.Gly740Glu (NM_201383.3); short protein forms G736E, G873E, G704E, G763E, G714E, G722E, G740E.
Identifiers: ClinVar variation 471551 (VCV000471551.8), dbSNP rs951623918, ClinGen allele CA187620440.
Genomic context (GRCh38, chr8:143,931,631, plus strand): 5'-GTGGCGGAGCGATCACAACTGTATTTCCTACGCAGTGCCTCCTGCAGCTTCTGCAACTGC[C>T]CCTCGGCCTCCCGCACATCTGAGAAGAACTGGGGCAGCGGGAGGGGGTCACGCCAGGCTA-3'
Protein context (NP_958786.1, residues 726-746): QFFSDVREAE[Gly736Glu]QLQKLQEALR

ClinVar aggregate classification (germline): Uncertain significance (1 of 4 stars; one submission).

Conditions:
Epidermolysis bullosa simplex with nail dystrophy (EBS5D). Identifiers: MedGen C4225309, MONDO:0014661, OMIM 616487.
Epidermolysis bullosa simplex, Ogna type (EBS5A). Also called: Pidermolysis bullosa simplex 5A, Ogna type; EPIDERMOLYSIS BULLOSA SIMPLEX 5A, OGNA TYPE. Identifiers: Orphanet 79401, MedGen C0432317, MONDO:0007555, OMIM 131950.
Autosomal recessive limb-girdle muscular dystrophy type 2Q (LGMDR17). Also called: MUSCULAR DYSTROPHY, LIMB-GIRDLE, AUTOSOMAL RECESSIVE 17. Identifiers: Orphanet 254361, MedGen C3150989, MONDO:0013390, OMIM 613723.
Epidermolysis bullosa simplex 5C, with pyloric atresia (EBS5C). Also called: PLEC-Related Epidermolysis Bullosa with Pyloric Atresia; Epidermolysis bullosa simplex with pyloric atresia; PLEC1-Related Epidermolysis Bullosa with Pyloric Atresia. Identifiers: Orphanet 158684, MedGen C2677349, MONDO:0012807, OMIM 612138.
Epidermolysis bullosa simplex 5B, with muscular dystrophy (EBS5B). Also called: EPIDERMOLYSIS BULLOSA SIMPLEX AND LIMB-GIRDLE MUSCULAR DYSTROPHY; Epidermolysis bullosa simplex with muscular dystrophy. Identifiers: Orphanet 257, MedGen C2931072, MONDO:0009181, OMIM 226670.

Submission:

Labcorp Genetics (formerly Invitae), Labcorp
Classification: Uncertain significance for Autosomal recessive limb-girdle muscular dystrophy type 2Q; Epidermolysis bullosa simplex, Ogna type; Epidermolysis bullosa simplex with nail dystrophy; Epidermolysis bullosa simplex 5C, with pyloric atresia; Epidermolysis bullosa simplex 5B, with muscular dystrophy. Last evaluated: 2019-07-04. Review status: criteria provided, single submitter. Criteria: Invitae Variant Classification Sherloc (09022015). Collection method: clinical testing. Allele origin: germline.
Comment: This sequence change replaces glycine with glutamic acid at codon 763 of the PLEC protein (p.Gly763Glu). The glycine residue is weakly conserved and there is a moderate physicochemical difference between glycine and glutamic acid. This variant is not present in population databases (ExAC no frequency) and has not been reported in the literature in individuals with a PLEC-related disease. Algorithms developed to predict the effect of missense changes on protein structure and function output the following: (SIFT: "Tolerated"; PolyPhen-2: "Unknown"; Align-GVGD: "Class C0"). The glutamic acid amino acid residue is found in multiple mammalian species, suggesting that this missense change does not adversely affect protein function. These predictions have not been confirmed by published functional studies. In summary, this variant is a novel missense change that is not predicted to affect protein function. There is no indication that it causes disease, but the available evidence is currently insufficient to prove that conclusively. Therefore, it has been classified as a Variant of Uncertain Significance.